The following is an entry in ClinVar:

ClinVar aggregate classification (germline): Uncertain significance (1 of 4 stars; one submission).

Submission:

GeneDx
Classification: Uncertain significance. Last evaluated: 2026-04-25. Review status: criteria provided, single submitter. Criteria: GeneDx Variant Classification Process June 2021. Collection method: clinical testing. Allele origin: germline.
Comment: Not observed at significant frequency in large population cohorts (gnomAD); In silico analysis supports that this missense variant has a deleterious effect on protein structure/function; Has not been previously published as pathogenic or benign to our knowledge.

NM_000284.4(PDHA1):c.236A>T (p.Asp79Val)

Gene: PDHA1 (pyruvate dehydrogenase E1 subunit alpha 1; plus strand). Cytogenetic location: Xp22.12.
Variant type: single nucleotide variant.
Coding change: c.236A>T on transcript NM_000284.4 (MANE Select); coding-DNA position 236, A replaced by T.
Protein change: p.Asp79Val; replaces aspartic acid 79 with valine.
Molecular consequence: missense variant.
Genome position (GRCh38, 1-based): chrX:19,350,055, A>T. VCF-style: chrX-19350055-A-T. GRCh37 (hg19) VCF-style: chrX-19368173-A-T.
Other names: c.350A>T, p.Asp117Val (NM_001173454.2); c.236A>T, p.Asp79Val (NM_001173455.2, NM_001173456.2); short protein forms D117V, D79V.
Identifiers: ClinVar variation 5037659 (VCV005037659.1).